The following is an entry in ClinVar:

NM_002471.4(MYH6):c.2396T>C (p.Met799Thr)

Gene: MYH6 (myosin heavy chain 6; minus strand). Cytogenetic location: 14q11.2.
Variant type: single nucleotide variant.
Coding change: c.2396T>C on transcript NM_002471.4 (MANE Select); coding-DNA position 2396, T replaced by C.
Protein change: p.Met799Thr; replaces methionine 799 with threonine.
Molecular consequence: missense variant.
Genome position (GRCh38, 1-based): chr14:23,396,317, A>G on the plus strand (T>C on the coding strand, the complement: MYH6 is on the minus strand). VCF-style: chr14-23396317-A-G. GRCh37 (hg19) VCF-style: chr14-23865526-A-G.
Other names: short protein forms M799T.
Identifiers: ClinVar variation 1399004 (VCV001399004.10), dbSNP rs1891392676, ClinGen allele CA389016145.

ClinVar aggregate classification (germline): Uncertain significance. Review status: criteria provided, multiple submitters, no conflicts (2 of 4 stars). 3 submissions from 3 submitters: Uncertain significance (3). Last evaluated 2026-08-26.

Conditions:
Cardiovascular phenotype. Identifiers: MedGen CN230736.
Hypertrophic cardiomyopathy 14. Identifiers: MedGen C2750467, MONDO:0013197, OMIM 613251.

Allele frequency attached by ClinVar (database versions not stated): gnomAD exomes below 0.00001.
gnomAD v4.1: 6 of 1,614,178 alleles (0.00037%); highest among the groups gnomAD compares: Non-Finnish European, 0.00051%; no homozygotes.

Submissions (3):

Ambry Genetics
Classification: Uncertain significance for Cardiovascular phenotype. Last evaluated: 2026-08-26. Review status: criteria provided, single submitter. Criteria: Ambry Variant Classification Scheme 2023. Collection method: clinical testing. Allele origin: germline.
Comment: The p.M799T variant (also known as c.2396T>C), located in coding exon 18 of the MYH6 gene, results from a T to C substitution at nucleotide position 2396. The methionine at codon 799 is replaced by threonine, an amino acid with similar properties. This variant was reported in individual(s) with features consistent with dilated cardiomyopathy (DCM) (Verdonschot JAJ et al. Circ Genom Precis Med, 2020 Oct;13:476-487). This amino acid position is well conserved in available vertebrate species. In addition, the in silico prediction for this alteration is inconclusive. Based on the available evidence, the clinical significance of this variant remains unclear.

GeneDx
Classification: Uncertain significance. Last evaluated: 2022-07-12. Review status: criteria provided, single submitter. Criteria: GeneDx Variant Classification Process June 2021. Collection method: clinical testing. Allele origin: germline. Affected: yes.
Comment: Identified in a patient with dilated cardiomyopathy, but familial segregation information and additional clinical information were not included (Verdonschot et al., 2020); In silico analysis supports that this missense variant has a deleterious effect on protein structure/function; Not observed at significant frequency in large population cohorts (gnomAD); This variant is associated with the following publications: (PMID: 32880476)

Labcorp Genetics (formerly Invitae), Labcorp
Classification: Uncertain significance for Hypertrophic cardiomyopathy 14. Last evaluated: 2021-04-22. Review status: criteria provided, single submitter. Criteria: Invitae Variant Classification Sherloc (09022015). Collection method: clinical testing. Allele origin: germline.
Comment: In summary, the available evidence is currently insufficient to determine the role of this variant in disease. Therefore, it has been classified as a Variant of Uncertain Significance. Algorithms developed to predict the effect of missense changes on protein structure and function (SIFT, PolyPhen-2, Align-GVGD) all suggest that this variant is likely to be tolerated, but these predictions have not been confirmed by published functional studies and their clinical significance is uncertain. This variant has not been reported in the literature in individuals with MYH6-related conditions. This variant is not present in population databases (ExAC no frequency). This sequence change replaces methionine with threonine at codon 799 of the MYH6 protein (p.Met799Thr). The methionine residue is weakly conserved and there is a moderate physicochemical difference between methionine and threonine.

Literature cited by the submitters: PubMed 32880476 (cited by Ambry Genetics).